The following is an entry in ClinVar:

ClinVar aggregate classification (germline): Uncertain significance. Review status: criteria provided, multiple submitters, no conflicts (2 of 4 stars). 4 submissions from 4 submitters: Uncertain significance (2). 2 of the submissions do not count toward it. Last evaluated 2024-08-04.

Conditions:
PCDH15-related disorder. Also called: PCDH15-related condition; PCDH15-related disorders.
Usher syndrome type 1F (USH1F). Also called: USHER SYNDROME, TYPE IF. Identifiers: Orphanet 231169, Orphanet 886, MedGen C1865885, MONDO:0011186, OMIM 602083.

Allele frequency attached by ClinVar (database versions not stated): TOPMed 0.00001; ExAC 0.00002; gnomAD 0.00002; gnomAD exomes 0.00002.
gnomAD v4.1: 19 of 1,613,620 alleles (0.0012%); highest among the groups gnomAD compares: Admixed American, 0.0067%; no homozygotes.

Submissions (4):

Labcorp Genetics (formerly Invitae), Labcorp
Classification: Uncertain significance. Last evaluated: 2024-08-04. Review status: criteria provided, single submitter. Criteria: Invitae Variant Classification Sherloc (09022015). Collection method: clinical testing. Allele origin: germline.
Comment: This sequence change replaces methionine, which is neutral and non-polar, with valine, which is neutral and non-polar, at codon 905 of the PCDH15 protein (p.Met905Val). This variant is present in population databases (rs747028333, gnomAD 0.009%). This variant has not been reported in the literature in individuals affected with PCDH15-related conditions. ClinVar contains an entry for this variant (Variation ID: 990233). Advanced modeling of protein sequence and biophysical properties (such as structural, functional, and spatial information, amino acid conservation, physicochemical variation, residue mobility, and thermodynamic stability) performed at Invitae indicates that this missense variant is expected to disrupt PCDH15 protein function with a positive predictive value of 80%. In summary, the available evidence is currently insufficient to determine the role of this variant in disease. Therefore, it has been classified as a Variant of Uncertain Significance.

GeneDx
Classification: Uncertain significance. Last evaluated: 2020-02-20. Review status: criteria provided, single submitter. Criteria: GeneDx Variant Classification Process June 2021. Collection method: clinical testing. Allele origin: germline. Affected: yes.
Comment: In silico analysis supports that this missense variant does not alter protein structure/function; Has not been previously published as pathogenic or benign to our knowledge

PreventionGenetics, part of Exact Sciences
Classification: Uncertain significance for PCDH15-related condition. Last evaluated: 2024-02-11. Review status: no assertion criteria provided. Collection method: clinical testing. Allele origin: germline. Not counted in ClinVar's aggregate classification.
Comment: The PCDH15 c.2713A>G variant is predicted to result in the amino acid substitution p.Met905Val. To our knowledge, this variant has not been reported in the literature. This variant is reported in 0.0087% of alleles in individuals of Latino descent in gnomAD. At this time, the clinical significance of this variant is uncertain due to the absence of conclusive functional and genetic evidence.

Natera, Inc.
Classification: Uncertain significance for Usher syndrome type 1F. Last evaluated: 2020-04-17. Review status: no assertion criteria provided. Collection method: clinical testing. Allele origin: germline. Not counted in ClinVar's aggregate classification.

NM_001384140.1(PCDH15):c.2713A>G (p.Met905Val)

Gene: PCDH15 (protocadherin related 15; minus strand). Cytogenetic location: 10q21.1.
Variant type: single nucleotide variant.
Coding change: c.2713A>G on transcript NM_001384140.1 (MANE Select); coding-DNA position 2713, A replaced by G.
Protein change: p.Met905Val; replaces methionine 905 with valine.
Molecular consequence: missense variant.
Genome position (GRCh38, 1-based): chr10:54,020,230, T>C on the plus strand (A>G on the coding strand, the complement: PCDH15 is on the minus strand). VCF-style: chr10-54020230-T-C. GRCh37 (hg19) VCF-style: chr10-55779990-T-C.
Other names: c.2713A>G (NM_033056.3); c.2602A>G, p.Met868Val (NM_001142767.2); c.2647A>G, p.Met883Val (NM_001142768.2, NM_001142773.2, NM_001354404.2); c.2749A>G, p.Met917Val (NM_001142769.4); c.2713A>G, p.Met905Val (NM_001142770.3, NM_001142772.2, NM_001354420.2 and 5 more transcripts); c.2728A>G, p.Met910Val (NM_001142771.2, NM_001142763.2); c.2734A>G, p.Met912Val (NM_001354411.2); c.2500A>G, p.Met834Val (NM_001142765.2); short protein forms M834V, M868V, M883V, M905V, M910V, M912V, M917V.
Identifiers: ClinVar variation 990233 (VCV000990233.10), dbSNP rs747028333, ClinGen allele CA5505957.